The following is an entry in ClinVar:

ClinVar aggregate classification (germline): Uncertain significance (1 of 4 stars; one submission).

Conditions:
Osteogenesis imperfecta type I (OI1). Also called: OI, TYPE I; OSTEOGENESIS IMPERFECTA TARDA; OSTEOGENESIS IMPERFECTA WITH BLUE SCLERAE; Lobstein's Disease; Classic Non-deforming Osteogenesis Imperfecta with Blue Sclerae; Lobstein disease. Identifiers: Orphanet 216796, Orphanet 666, MedGen C0023931, MONDO:0008146, OMIM 166200. Disease mechanism: loss of function.

Submission:

Victorian Clinical Genetics Services, Murdoch Childrens Research Institute
Classification: Uncertain significance for Osteogenesis imperfecta type I. Last evaluated: 2022-02-02. Review status: criteria provided, single submitter. Criteria: ACMG Guidelines, 2015. Collection method: clinical testing. Allele origin: germline. Inheritance: Autosomal dominant inheritance. Affected: yes.
Comment: Based on the classification scheme VCGS_Germline_v1.3.4, this variant is classified as VUS-3B. Following criteria are met: 0103 - Dominant negative and loss of function are known mechanisms of disease in this gene and are associated with osteogenesis imperfecta types I-IV, and other conditions (various MIM#s). Missense variants affecting the glycine residue of the Gly-X-Y triple helix motif have a dominant negative effect and result in severe disease, while loss of function causes milder phenotypes (PMID:12362985). (I) 0107 - This gene is associated with autosomal dominant disease. (I) 0115 - Variants in this gene are known to have variable expressivity (GeneReviews). (I) 0200 - Variant is predicted to result in a missense amino acid change from aspartic acid to histidine. (I) 0251 - This variant is heterozygous. (I) 0302 - Variant is present in gnomAD (v2) <0.001 for a dominant condition (1 heterozygote, 0 homozygotes). (SP) 0309 - Alternative amino acid changes at the same position have been observed in gnomAD (v2; highest allele frequency: 6 heterozygotes, 0 homozygotes). (I) 0502 - Missense variant with conflicting in silico predictions and uninformative conservation. (I) 0600 - Variant is located in the annotated fibrillar collagen C-terminal domain (Pfam). (I) 0710 - Another missense variant comparable to the one identified in this case has inconclusive previous evidence for pathogenicity. The variant p.(Asp1457Asn) has been reported twice in ClinVar as a variant of unknown significance. (I) 0807 - This variant has no previous evidence of pathogenicity. (I) 0905 - No published segregation evidence has been identified for this variant. (I) 1007 - No published functional evidence has been identified for this variant. (I) 1208 - Inheritance information for this variant is not currently available in this individual. (I)

Literature cited by the submitters: PubMed 12362985.

NM_000088.4(COL1A1):c.4369G>C (p.Asp1457His)

Gene: COL1A1 (collagen type I alpha 1 chain; minus strand). Cytogenetic location: 17q21.33.
Variant type: single nucleotide variant.
Coding change: c.4369G>C on transcript NM_000088.4 (MANE Select); coding-DNA position 4369, G replaced by C.
Protein change: p.Asp1457His; replaces aspartic acid 1457 with histidine.
Molecular consequence: missense variant.
Genome position (GRCh38, 1-based): chr17:50,185,528, C>G on the plus strand (G>C on the coding strand, the complement: COL1A1 is on the minus strand). VCF-style: chr17-50185528-C-G. GRCh37 (hg19) VCF-style: chr17-48262889-C-G.
Other names: short protein forms D1457H.
Identifiers: ClinVar variation 1805663 (VCV001805663.1), dbSNP rs761895918, ClinGen allele CA291542758.